The following is an entry in ClinVar:

ClinVar aggregate classification (germline): Conflicting classifications of pathogenicity. Review status: criteria provided, conflicting classifications (1 of 4 stars). 3 submissions from 3 submitters: Likely pathogenic (1); Uncertain significance (1). 1 of the submissions does not count toward it. Last evaluated 2025-06-09.

Conditions:
RPGR-related disorder. Also called: RPGR-related condition.
Retinitis pigmentosa 3. Also called: CHOROIDORETINAL DEGENERATION WITH RETINAL REFLEX IN HETEROZYGOUS WOMEN. Identifiers: Orphanet 791, MedGen C1845667, MONDO:0010227, OMIM 300029.
Retinal dystrophy. Also called: Inherited retinal dystrophy. Identifiers: Orphanet 71862, MedGen C0854723, MeSH D058499, MONDO:0019118, HP:0000556.

Submissions (3):

3billion
Classification: Uncertain significance for Retinitis pigmentosa 3. Last evaluated: 2025-06-09. Review status: criteria provided, single submitter. Criteria: ACMG Guidelines, 2015. Collection method: clinical testing. Allele origin: germline. Affected: yes.
Comment: The variant is not observed in the gnomAD v4.1.0 dataset. Predicted Consequence/Location: Missense variant. The majority of the known disease-causing variants of this gene are variants expected to result in premature termination of the protein. In silico tool predictions suggest damaging effect of the variant on gene or gene product [REVEL: 0.70 (>=0.6, sensitivity 0.68 and specificity 0.92)]. The same nucleotide change resulting in the same amino acid change has been previously reported to be associated with RPGR-related disorder (ClinVar ID: VCV003250244). However, the evidence of pathogenicity is insufficient at this time. Therefore, this variant is classified as VUS according to the recommendation of ACMG/AMP guideline.

Blueprint Genetics
Classification: Likely pathogenic for RPGR-related disorders. Last evaluated: 2021-11-07. Review status: criteria provided, single submitter. Criteria: ACMG Guidelines, 2015. Collection method: clinical testing. Allele origin: germline. Affected: yes. Observed: 2 variant alleles.

Institute of Human Genetics, Univ. Regensburg, Univ. Regensburg
Classification: Likely pathogenic for Retinal dystrophy. Last evaluated: 2018-01-01. Review status: no assertion criteria provided. Criteria: ACMG Guidelines, 2015. Collection method: clinical testing. Allele origin: germline. Affected: yes. Not counted in ClinVar's aggregate classification.

NM_001034853.2(RPGR):c.353A>G (p.Gln118Arg)

Gene: RPGR (retinitis pigmentosa GTPase regulator; minus strand). Cytogenetic location: Xp11.4.
Variant type: single nucleotide variant.
Coding change: c.353A>G on transcript NM_001034853.2 (MANE Select); coding-DNA position 353, A replaced by G.
Protein change: p.Gln118Arg; replaces glutamine 118 with arginine.
Molecular consequence: missense variant. On other transcripts: non-coding transcript variant (6).
Genome position (GRCh38, 1-based): chrX:38,318,945, T>C on the plus strand (A>G on the coding strand, the complement: RPGR is on the minus strand). VCF-style: chrX-38318945-T-C. GRCh37 (hg19) VCF-style: chrX-38178198-T-C.
Other names: c.353A>G, p.Gln118Arg (NM_000328.3, NM_001367245.1, NM_001367246.1 and 3 more transcripts); c.383A>G, p.Gln128Arg (NM_001367248.1); c.350A>G, p.Gln117Arg (NM_001367249.1); short protein forms Q117R, Q118R, Q128R.
Identifiers: ClinVar variation 3250244 (VCV003250244.3).
Genomic context (GRCh38, chrX:38,318,945, plus strand): 5'-GATGTAAAAAAGCTAATTACATGAAAAGTGTTTCTTTCTTCGGTGTCACCAAGCCCCAAC[T>C]GTCCTTCATTATTTCCACCAGTTGCATATACATTGCCTCCTTCTGCACATGGAAAAGAAA-3'
Protein context (NP_001030025.1, residues 108-128): VYATGGNNEG[Gln118Arg]LGLGDTEERN